The following is an entry in ClinVar:

ClinVar aggregate classification (germline): Likely benign (1 of 4 stars; one submission).

Conditions:
Fanconi anemia complementation group F. Also called: FANCF-Related Fanconi Anemia. Identifiers: Orphanet 84, MedGen C3469526, MONDO:0011325, OMIM 603467.

Allele frequency attached by ClinVar (database versions not stated): 1000 Genomes Project 30x 0.00281; 1000 Genomes Project 0.00339; TOPMed 0.00750; gnomAD 0.00815 and 0.00843; gnomAD exomes 0.00899.

Submission:

Illumina Laboratory Services, Illumina
Classification: Likely benign for Fanconi anemia complementation group F. Last evaluated: 2018-01-12. Review status: criteria provided, single submitter. Criteria: ICSL Variant Classification Criteria 13 December 2019. Collection method: clinical testing. Allele origin: germline.
Comment: This variant was observed in the ICSL laboratory as part of a predisposition screen in an ostensibly healthy population. It had not been previously curated by ICSL or reported in the Human Gene Mutation Database (HGMD: prior to June 1st, 2018), and was therefore a candidate for classification through an automated scoring system. Utilizing variant allele frequency, disease prevalence and penetrance estimates, and inheritance mode, an automated score was calculated to assess if this variant is too frequent to cause the disease. Based on the score and internal cut-off values, a variant classified as likely benign is not then subjected to further curation. The score for this variant resulted in a classification of likely benign for this disease.

NM_022725.4(FANCF):c.*1484G>A

Gene: FANCF (FA complementation group F; minus strand). Cytogenetic location: 11p14.3.
Variant type: single nucleotide variant.
Coding change: c.*1484G>A on transcript NM_022725.4 (MANE Select); 1484 bases downstream of the stop codon, G replaced by A.
Molecular consequence: 3 prime UTR variant.
Genome position (GRCh38, 1-based): chr11:22,623,202, C>T on the plus strand (G>A on the coding strand, the complement: FANCF is on the minus strand). VCF-style: chr11-22623202-C-T. GRCh37 (hg19) VCF-style: chr11-22644748-C-T.
Identifiers: ClinVar variation 877849 (VCV000877849.4), dbSNP rs181285048, ClinGen allele CA219086439.